The following is an entry in ClinVar:

ClinVar aggregate classification (germline): Benign/Likely benign. Review status: criteria provided, multiple submitters, no conflicts (2 of 4 stars). 6 submissions from 6 submitters: Benign (3); Likely benign (3). Last evaluated 2025-09-14.

Conditions:
Tuberous sclerosis 2 (TSC2). Identifiers: Orphanet 805, MedGen C1860707, MONDO:0013199, OMIM 613254.
Hereditary cancer-predisposing syndrome. Also called: Neoplastic Syndromes, Hereditary; Hereditary neoplastic syndrome; Tumor predisposition; Hereditary Cancer Syndrome. Identifiers: Orphanet 140162, MedGen C0027672, MeSH D009386, MONDO:0015356.
Tuberous sclerosis syndrome (TSC). Also called: Tuberous sclerosis; Tuberous Sclerosis Complex. Identifiers: Orphanet 805, MedGen C0041341, MONDO:0001734.

Allele frequency attached by ClinVar (database versions not stated): gnomAD exomes below 0.00001 and 0.00002; ExAC 0.00003; TOPMed 0.00003; gnomAD 0.00004; 1000 Genomes Project 30x 0.00016; 1000 Genomes Project 0.00020.
gnomAD v4.1: 10 of 1,614,162 alleles (0.00062%); highest among the groups gnomAD compares: African/African-American, 0.011%; no homozygotes.

Submissions (6):

Labcorp Genetics (formerly Invitae), Labcorp
Classification: Likely benign for Tuberous sclerosis 2. Last evaluated: 2025-09-14. Review status: criteria provided, single submitter. Criteria: Invitae Variant Classification Sherloc (09022015). Collection method: clinical testing. Allele origin: germline.

Myriad Genetics, Inc.
Classification: Benign for Tuberous sclerosis 2. Last evaluated: 2025-05-19. Review status: criteria provided, single submitter. Criteria: Myriad Autosomal Dominant, Autosomal Recessive and X-Linked Classification Criteria (2023). Collection method: clinical testing. Allele origin: unknown.
Comment: This variant is considered benign. This variant is a silent/synonymous amino acid change and it is not expected to impact splicing.

Color Diagnostics, LLC DBA Color Health
Classification: Benign for Tuberous sclerosis syndrome. Last evaluated: 2022-09-24. Review status: criteria provided, single submitter. Criteria: ACMG Guidelines, 2015. Collection method: clinical testing. Allele origin: germline.

Genome-Nilou Lab
Classification: Benign for Tuberous sclerosis 2. Last evaluated: 2021-11-07. Review status: criteria provided, single submitter. Criteria: ACMG Guidelines, 2015. Collection method: clinical testing. Allele origin: germline. Affected: no.

GeneDx
Classification: Likely benign. Last evaluated: 2021-06-18. Review status: criteria provided, single submitter. Criteria: GeneDx Variant Classification Process June 2021. Collection method: clinical testing. Allele origin: germline. Affected: yes.

Ambry Genetics
Classification: Likely benign for Hereditary cancer-predisposing syndrome. Last evaluated: 2016-06-10. Review status: criteria provided, single submitter. Criteria: Ambry Variant Classification Scheme 2023. Collection method: clinical testing. Allele origin: germline.

NM_000548.5(TSC2):c.2163G>A (p.Val721=)

Gene: TSC2 (TSC complex subunit 2; plus strand). Cytogenetic location: 16p13.3.
Variant type: single nucleotide variant.
Coding change: c.2163G>A on transcript NM_000548.5 (MANE Select); coding-DNA position 2163, G replaced by A.
Protein change: p.Val721=; no amino-acid change (valine 721 retained).
Molecular consequence: synonymous variant.
Genome position (GRCh38, 1-based): chr16:2,072,306, G>A. VCF-style: chr16-2072306-G-A. GRCh37 (hg19) VCF-style: chr16-2122307-G-A.
Other names: c.2163G>A, p.Val721= (NM_001077183.3, NM_001114382.3, NM_001363528.2 and 3 more transcripts); c.2052G>A, p.Val684= (NM_001318827.2); c.2016G>A, p.Val672= (NM_001318829.2); c.1563G>A, p.Val521= (NM_001318831.2); c.2196G>A, p.Val732= (NM_001318832.2).
Identifiers: ClinVar variation 388224 (VCV000388224.20), dbSNP rs552644975, ClinGen allele CA036949.
Genomic context (GRCh38, chr16:2,072,306, plus strand): 5'-TGACTGGAAGGTGCTGAAGCTGGTTCTGGGCAGGCTGCCTGAGTCCCTGCGCTATAAAGT[G>A]CTCATCTTTACTTCCCCTTGCAGTGTGGACCAGCTGTGCTCTGCTCTCTGCTCCATGGTA-3'
Protein context (NP_000539.2, residues 711-731): GRLPESLRYK[Val721=]LIFTSPCSVD